The following is an entry in ClinVar:

ClinVar aggregate classification (germline): Uncertain significance (1 of 4 stars; one submission).

Conditions:
Gorlin syndrome. Also called: Nevoid Basal Cell Carcinoma Syndrome; Basal cell nevus syndrome. Identifiers: Orphanet 377, MedGen C0004779, MONDO:0007187.

Submission:

Labcorp Genetics (formerly Invitae), Labcorp
Classification: Uncertain significance for Gorlin syndrome. Last evaluated: 2020-02-04. Review status: criteria provided, single submitter. Criteria: Invitae Variant Classification Sherloc (09022015). Collection method: clinical testing. Allele origin: germline.
Comment: In summary, the available evidence is currently insufficient to determine the role of this variant in disease. Therefore, it has been classified as a Variant of Uncertain Significance. The current clinical and genetic evidence is not sufficient to establish whether loss-of-function variants in PTCH2 cause disease. Algorithms developed to predict the effect of sequence changes on RNA splicing suggest that this variant may create or strengthen a splice site, but this prediction has not been confirmed by published transcriptional studies. This variant has not been reported in the literature in individuals with PTCH2-related conditions. This variant is not present in population databases (ExAC no frequency). This sequence change creates a premature translational stop signal (p.Lys686Valfs*8) in the PTCH2 gene. It is expected to result in an absent or disrupted protein product.

NM_003738.5(PTCH2):c.2033_2054dup (p.Lys686fs)

Gene: PTCH2 (patched 2; minus strand). Cytogenetic location: 1p34.1.
Variant type: Duplication.
Coding change: c.2033_2054dup on transcript NM_003738.5 (MANE Select); coding-DNA positions 2033 to 2054, 22 bases duplicated (CGTTGCTGCTCCAGTCACATGC).
Protein change: p.Lys686fs; shifts the reading frame from lysine 686.
Molecular consequence: frameshift variant.
Genome position (GRCh38, 1-based): chr1:44,827,847-44,827,868, GCATGTGACTGGAGCAGCAACG duplicated on the plus strand (CGTTGCTGCTCCAGTCACATGC on the coding strand, the reverse complement: PTCH2 is on the minus strand); duplicating any 22 consecutive bases within chr1:44,827,847-44,827,869 gives the same sequence; the c. name uses the placement nearest the transcript's 3' end. VCF-style (leftmost placement, unchanged base first): chr1-44827846-A-AGCATGTGACTGGAGCAGCAACG. GRCh37 (hg19) VCF-style: chr1-45293518-A-AGCATGTGACTGGAGCAGCAACG.
Other names: c.2033_2054dup, p.Lys686fs (NM_001166292.2); short protein forms K686fs.
Identifiers: ClinVar variation 1045073 (VCV001045073.10), dbSNP rs1653233688, ClinGen allele CA2473510838.